The following is an entry in ClinVar:

NM_032119.4(ADGRV1):c.14975C>G (p.Ser4992Ter)

Gene: ADGRV1 (adhesion G protein-coupled receptor V1; plus strand). Cytogenetic location: 5q14.3.
Variant type: single nucleotide variant.
Coding change: c.14975C>G on transcript NM_032119.4 (MANE Select); coding-DNA position 14975, C replaced by G.
Protein change: p.Ser4992Ter; replaces serine 4992 with a stop codon.
Molecular consequence: nonsense. On other transcripts: non-coding transcript variant (1).
Genome position (GRCh38, 1-based): chr5:90,810,235, C>G. VCF-style: chr5-90810235-C-G. GRCh37 (hg19) VCF-style: chr5-90106052-C-G.
Other names: short protein forms S4992*.
Identifiers: ClinVar variation 419676 (VCV000419676.10), dbSNP rs900228710, ClinGen allele CA16618223.

ClinVar aggregate classification (germline): Pathogenic/Likely pathogenic. Review status: criteria provided, multiple submitters, no conflicts (2 of 4 stars). 3 submissions from 3 submitters: Pathogenic (2); Likely pathogenic (1). Last evaluated 2025-12-23.

Conditions:
ADGRV1-related disorder. Also called: ADGRV1-related condition; ADGRV1-related disorders.

Allele frequency attached by ClinVar (database versions not stated): gnomAD 0.00001; TOPMed 0.00001.

Submissions (3):

Labcorp Genetics (formerly Invitae), Labcorp
Classification: Pathogenic. Last evaluated: 2025-12-23. Review status: criteria provided, single submitter. Criteria: Invitae Variant Classification Sherloc (09022015). Collection method: clinical testing. Allele origin: germline.
Comment: This sequence change creates a premature translational stop signal (p.Ser4992*) in the ADGRV1 gene. It is expected to result in an absent or disrupted protein product. Loss-of-function variants in ADGRV1 are known to be pathogenic (PMID: 19357117, 22135276, 22147658, 26226137, 30718709, 31047384, 32467589). This variant is not present in population databases (gnomAD no frequency). This premature translational stop signal has been observed in individual(s) with ADGRV1-related conditions (internal data). ClinVar contains an entry for this variant (Variation ID: 419676). For these reasons, this variant has been classified as Pathogenic.

Women's Health and Genetics/Laboratory Corporation of America, LabCorp
Classification: Pathogenic for ADGRV1-Related Disorders. Last evaluated: 2023-07-24. Review status: criteria provided, single submitter. Criteria: LabCorp Variant Classification Summary - May 2015. Collection method: clinical testing. Allele origin: germline.
Comment: Variant summary: ADGRV1 c.14975C>G (p.Ser4992X) results in a premature termination codon, predicted to cause absence of the protein due to nonsense mediated decay, which is a commonly known mechanism for disease. The variant was absent in 169766 control chromosomes (gnomAD). To our knowledge, no occurrence of c.14975C>G in individuals affected with ADGRV1-Related Disorders and no experimental evidence demonstrating its impact on protein function have been reported. Two submitters have cited clinical-significance assessments for this variant to ClinVar after 2014, and classified it as pathogenic/likely pathogenic. Based on the evidence outlined above, the variant was classified as pathogenic.

GeneDx
Classification: Likely pathogenic. Last evaluated: 2019-07-26. Review status: criteria provided, single submitter. Criteria: GeneDx Variant Classification Process June 2021. Collection method: clinical testing. Allele origin: germline. Affected: yes.
Comment: Nonsense variant predicted to result in protein truncation or nonsense mediated decay in a gene for which loss-of-function is a known mechanism of disease; Not observed in large population cohorts (Lek et al., 2016); Has not been previously published as pathogenic or benign to our knowledge

Literature cited by the submitters: PubMed 19357117 (cited by Labcorp Genetics (formerly Invitae), Labcorp); PubMed 22135276 (cited by Labcorp Genetics (formerly Invitae), Labcorp); PubMed 22147658 (cited by Labcorp Genetics (formerly Invitae), Labcorp); PubMed 26226137 (cited by Labcorp Genetics (formerly Invitae), Labcorp); PubMed 30718709 (cited by Labcorp Genetics (formerly Invitae), Labcorp); PubMed 31047384 (cited by Labcorp Genetics (formerly Invitae), Labcorp); PubMed 32467589 (cited by Labcorp Genetics (formerly Invitae), Labcorp).